The following is an entry in ClinVar:

ClinVar aggregate classification (germline): Conflicting classifications of pathogenicity. Review status: criteria provided, conflicting classifications (1 of 4 stars). 4 submissions from 4 submitters: Uncertain significance (1); Benign (2). 1 of the submissions does not count toward it. Last evaluated 2025-09-23.

Conditions:
KBTBD13-related disorder. Also called: KBTBD13-related condition.
Nemaline myopathy 6 (NEM6). Also called: Nemaline myopathy 6, autosomal dominant. Identifiers: Orphanet 171439, MedGen C1836472, MONDO:0012237, OMIM 609273.

Allele frequency attached by ClinVar (database versions not stated): gnomAD 0.00020 and 0.00024; gnomAD exomes 0.00034; 1000 Genomes Project 0.00040; ExAC 0.00060; TOPMed 0.00062; 1000 Genomes Project 30x 0.00094.

Submissions (4):

Labcorp Genetics (formerly Invitae), Labcorp
Classification: Benign for Nemaline myopathy 6. Last evaluated: 2025-09-23. Review status: criteria provided, single submitter. Criteria: Invitae Variant Classification Sherloc (09022015). Collection method: clinical testing. Allele origin: germline.

Illumina Laboratory Services, Illumina
Classification: Benign for Nemaline myopathy 6. Last evaluated: 2018-01-13. Review status: criteria provided, single submitter. Criteria: ICSL Variant Classification Criteria 13 December 2019. Collection method: clinical testing. Allele origin: germline.
Comment: This variant was observed in the ICSL laboratory as part of a predisposition screen in an ostensibly healthy population. It had not been previously curated by ICSL or reported in the Human Gene Mutation Database (HGMD: prior to June 1st, 2018), and was therefore a candidate for classification through an automated scoring system. Utilizing variant allele frequency, disease prevalence and penetrance estimates, and inheritance mode, an automated score was calculated to assess if this variant is too frequent to cause the disease. Based on the score and internal cut-off values, a variant classified as benign is not then subjected to further curation. The score for this variant resulted in a classification of benign for this disease.

GeneDx
Classification: Uncertain significance. Last evaluated: 2017-06-02. Review status: criteria provided, single submitter. Criteria: GeneDx Variant Classification (06012015). Collection method: clinical testing. Allele origin: germline. Affected: yes.
Comment: The D257H variant has not been published as a pathogenic variant, nor has it been reported as a benign variant to our knowledge. The D257H variant is observed in 11/980 (1.12%) alleles from individuals of East Asian background in large population cohorts, which is greater than expected for this disorder (Lek et al., 2016; 1000 Genomes Consortium et al., 2015; Exome Variant Server). This variant is a non-conservative amino acid substitution, which is likely to impact secondary protein structure as these residues differ in polarity, charge, size and/or other properties. However, this substitution occurs at a position that is not conserved, and in silico analysis is inconsistent in its predictions as to whether or not the variant is damaging to the protein structure/function.

PreventionGenetics, part of Exact Sciences
Classification: Benign for KBTBD13-related condition. Last evaluated: 2019-10-31. Review status: no assertion criteria provided. Collection method: clinical testing. Allele origin: germline. Not counted in ClinVar's aggregate classification.
Comment: This variant is classified as benign based on ACMG/AMP sequence variant interpretation guidelines (Richards et al. 2015 PMID: 25741868, with internal and published modifications).

NM_001101362.3(KBTBD13):c.769G>C (p.Asp257His)

Gene: KBTBD13 (kelch repeat and BTB domain containing 13; plus strand). Cytogenetic location: 15q22.31.
Variant type: single nucleotide variant.
Coding change: c.769G>C on transcript NM_001101362.3 (MANE Select); coding-DNA position 769, G replaced by C.
Protein change: p.Asp257His; replaces aspartic acid 257 with histidine.
Molecular consequence: missense variant.
Genome position (GRCh38, 1-based): chr15:65,077,584, G>C. VCF-style: chr15-65077584-G-C. GRCh37 (hg19) VCF-style: chr15-65369922-G-C.
Other names: short protein forms D257H.
Identifiers: ClinVar variation 316746 (VCV000316746.18), dbSNP rs568675071, ClinGen allele CA7613973.